The following is an entry in ClinVar:

ClinVar aggregate classification (germline): Uncertain significance (1 of 4 stars; one submission).

Conditions:
Catecholaminergic polymorphic ventricular tachycardia 1. Also called: RYR2-Related Catecholaminergic Polymorphic Ventricular Tachycardia; VENTRICULAR TACHYCARDIA, STRESS-INDUCED POLYMORPHIC 1; VENTRICULAR TACHYCARDIA, CATECHOLAMINERGIC POLYMORPHIC, 1, WITH OR WITHOUT ATRIAL DYSFUNCTION AND/OR DILATED CARDIOMYOPATHY. Identifiers: Orphanet 3286, MedGen C1631597, MONDO:0011484, OMIM 604772.

Submission:

Labcorp Genetics (formerly Invitae), Labcorp
Classification: Uncertain significance for Catecholaminergic polymorphic ventricular tachycardia 1. Last evaluated: 2023-09-25. Review status: criteria provided, single submitter. Criteria: Invitae Variant Classification Sherloc (09022015). Collection method: clinical testing. Allele origin: germline.
Comment: This variant is not present in population databases (gnomAD no frequency). This sequence change replaces leucine, which is neutral and non-polar, with valine, which is neutral and non-polar, at codon 600 of the RYR2 protein (p.Leu600Val). In summary, the available evidence is currently insufficient to determine the role of this variant in disease. Therefore, it has been classified as a Variant of Uncertain Significance. Advanced modeling of protein sequence and biophysical properties (such as structural, functional, and spatial information, amino acid conservation, physicochemical variation, residue mobility, and thermodynamic stability) performed at Invitae indicates that this missense variant is expected to disrupt RYR2 protein function. This variant has not been reported in the literature in individuals affected with RYR2-related conditions.

NM_001035.3(RYR2):c.1798C>G (p.Leu600Val)

Gene: RYR2 (ryanodine receptor 2; plus strand). Cytogenetic location: 1q43.
Variant type: single nucleotide variant.
Coding change: c.1798C>G on transcript NM_001035.3 (MANE Select); coding-DNA position 1798, C replaced by G.
Protein change: p.Leu600Val; replaces leucine 600 with valine.
Molecular consequence: missense variant.
Genome position (GRCh38, 1-based): chr1:237,491,895, C>G. VCF-style: chr1-237491895-C-G. GRCh37 (hg19) VCF-style: chr1-237655195-C-G.
Other names: short protein forms L600V.
Identifiers: ClinVar variation 2763239 (VCV002763239.3), dbSNP rs1394208771, ClinGen allele CA345388173.